The following is an entry in ClinVar:

ClinVar aggregate classification (germline): Uncertain significance (1 of 4 stars; one submission).

Allele frequency attached by ClinVar (database versions not stated): ExAC 0.00003.
gnomAD v4.1: 36 of 1,614,014 alleles (0.0022%); highest among the groups gnomAD compares: Non-Finnish European, 0.00042%; no homozygotes.

Submission:

Labcorp Genetics (formerly Invitae), Labcorp
Classification: Uncertain significance. Last evaluated: 2024-08-28. Review status: criteria provided, single submitter. Criteria: Invitae Variant Classification Sherloc (09022015). Collection method: clinical testing. Allele origin: germline.
Comment: This sequence change replaces lysine, which is basic and polar, with asparagine, which is neutral and polar, at codon 400 of the SIAE protein (p.Lys400Asn). This variant is present in population databases (rs766047951, gnomAD 0.07%), and has an allele count higher than expected for a pathogenic variant. This missense change has been observed in individual(s) with Crohn's disease (PMID: 20555325). ClinVar contains an entry for this variant (Variation ID: 1402463). An algorithm developed to predict the effect of missense changes on protein structure and function (PolyPhen-2) suggests that this variant is likely to be tolerated. Experimental studies are conflicting or provide insufficient evidence to determine the effect of this variant on SIAE function (PMID: 20555325). In summary, the available evidence is currently insufficient to determine the role of this variant in disease. Therefore, it has been classified as a Variant of Uncertain Significance.

Literature cited by the submitters: PubMed 20555325.

NM_170601.5(SIAE):c.1200G>T (p.Lys400Asn)

Gene: SIAE (sialic acid acetylesterase; minus strand). Cytogenetic location: 11q24.2.
Variant type: single nucleotide variant.
Coding change: c.1200G>T on transcript NM_170601.5 (MANE Select); coding-DNA position 1200, G replaced by T.
Protein change: p.Lys400Asn; replaces lysine 400 with asparagine.
Molecular consequence: missense variant.
Genome position (GRCh38, 1-based): chr11:124,638,662, C>A on the plus strand (G>T on the coding strand, the complement: SIAE is on the minus strand). VCF-style: chr11-124638662-C-A. GRCh37 (hg19) VCF-style: chr11-124508558-C-A.
Other names: c.1095G>T, p.Lys365Asn (NM_001199922.2); short protein forms K365N, K400N.
Identifiers: ClinVar variation 1402463 (VCV001402463.8), dbSNP rs766047951, ClinGen allele CA6341254.